The following is an entry in ClinVar:

ClinVar aggregate classification (germline): Uncertain significance (1 of 4 stars; one submission).

Allele frequency attached by ClinVar (database versions not stated): gnomAD 0.00001; ExAC 0.00003; gnomAD exomes 0.00003 and 0.00007; TOPMed 0.00004; ESP Exome Variant Server 0.00031.
gnomAD v4.1: 106 of 1,612,798 alleles (0.0066%); highest among the groups gnomAD compares: Non-Finnish European, 0.0088%; no homozygotes.

Submission:

Labcorp Genetics (formerly Invitae), Labcorp
Classification: Uncertain significance. Last evaluated: 2024-10-26. Review status: criteria provided, single submitter. Criteria: Invitae Variant Classification Sherloc (09022015). Collection method: clinical testing. Allele origin: germline.
Comment: This sequence change replaces tyrosine, which is neutral and polar, with histidine, which is basic and polar, at codon 1022 of the POLR3A protein (p.Tyr1022His). This variant is present in population databases (rs141603555, gnomAD 0.006%). This variant has not been reported in the literature in individuals affected with POLR3A-related conditions. ClinVar contains an entry for this variant (Variation ID: 1443840). Invitae Evidence Modeling of protein sequence and biophysical properties (such as structural, functional, and spatial information, amino acid conservation, physicochemical variation, residue mobility, and thermodynamic stability) indicates that this missense variant is not expected to disrupt POLR3A protein function with a negative predictive value of 80%. In summary, the available evidence is currently insufficient to determine the role of this variant in disease. Therefore, it has been classified as a Variant of Uncertain Significance.

NM_007055.4(POLR3A):c.3064T>C (p.Tyr1022His)

Gene: POLR3A (RNA polymerase III subunit A; minus strand). Cytogenetic location: 10q22.3.
Variant type: single nucleotide variant.
Coding change: c.3064T>C on transcript NM_007055.4 (MANE Select); coding-DNA position 3064, T replaced by C.
Protein change: p.Tyr1022His; replaces tyrosine 1022 with histidine.
Molecular consequence: missense variant.
Genome position (GRCh38, 1-based): chr10:77,985,910, A>G on the plus strand (T>C on the coding strand, the complement: POLR3A is on the minus strand). VCF-style: chr10-77985910-A-G. GRCh37 (hg19) VCF-style: chr10-79745668-A-G.
Other names: short protein forms Y1022H.
Identifiers: ClinVar variation 1443840 (VCV001443840.6), dbSNP rs141603555, ClinGen allele CA5570944.